The following is an entry in ClinVar:

NM_001122769.3(LCA5):c.1532dup (p.Ser512fs)

Gene: LCA5 (lebercilin LCA5; minus strand). Cytogenetic location: 6q14.1.
Variant type: Duplication.
Coding change: c.1532dup on transcript NM_001122769.3 (MANE Select); coding-DNA position 1532, one base duplicated (T; older notation c.1532dupT).
Protein change: p.Ser512fs; shifts the reading frame from serine 512.
Molecular consequence: frameshift variant.
Genome position (GRCh38, 1-based): chr6:79,487,566, A duplicated on the plus strand (T on the coding strand, the reverse complement: LCA5 is on the minus strand); the first of 2 consecutive A bases (chr6:79,487,566-79,487,567); duplicating either gives the same sequence. VCF-style (leftmost placement, unchanged base first): chr6-79487565-G-GA. GRCh37 (hg19) VCF-style: chr6-80197282-G-GA.
Other names: p.Ser512LeufsTer2; c.1532dup, p.Ser512fs (NM_181714.4); short protein forms S512fs.
Identifiers: ClinVar variation 4849654 (VCV004849654.1).

ClinVar aggregate classification (germline): Likely pathogenic (1 of 4 stars; one submission).

Conditions:
Leber congenital amaurosis 5 (LCA5). Also called: Amaurosis congenita of Leber, type 5. Identifiers: Orphanet 65, MedGen C1858301, MONDO:0011473, OMIM 604537.

Submission:

Medical Molecular Genetics Department, National Research Center
Classification: Likely pathogenic for Leber congenital amaurosis 5. Last evaluated: 2026-03-01. Review status: criteria provided, single submitter. Criteria: ACMG Guidelines, 2015. Collection method: research. Allele origin: germline. Affected: yes. Observed: 1 variant allele.
Comment: LCA5 c.1532dup (p.Ser512LeufsTer2): Frameshift (null variant). Absent from gnomAD. Loss-of-function consistent with autosomal recessive mechanism. Classified Likely pathogenic (PVS1,PM2)